The following continues an entry in ClinVar:

NM_001126108.2(SLC12A3):c.2856+1G>T

Gene: SLC12A3. ClinVar aggregate classification (germline): Pathogenic. Pathogenic (19).

Submissions 13 to 23 of 23:

Victorian Clinical Genetics Services, Murdoch Childrens Research Institute
Classification: Pathogenic for Familial hypokalemia-hypomagnesemia. Last evaluated: 2023-07-17. Review status: criteria provided, single submitter. Criteria: ACMG Guidelines, 2015. Collection method: clinical testing. Allele origin: germline. Inheritance: Autosomal recessive inheritance.
Comment: Based on the classification scheme VCGS_Germline_v1.3.4, this variant is classified as Pathogenic. Following criteria are met: 0102 - Loss of function is a known mechanism of disease in this gene and is associated with Gitelman syndrome (MIM#263800). (I) 0106 - This gene is associated with autosomal recessive disease. (I) 0209 - Splice site variant proven likely to affect splicing of the transcript with uncertain effect on protein sequence. RT-PCR studies using cDNA from an individual with Gitelman syndrome showed the presence of a wild type (WT) length fragment and an additional shorter fragment compared to a healthy individual; however, the deletion of exon 24 was not confirmed using Sanger sequencing (PMID: 9596079). (SP) 0251 - This variant is heterozygous. (I) 0304 - Variant is present in gnomAD (v2) <0.01 for a recessive condition (62 heterozygotes, 0 homozygotes). (SP) 0505 - Abnormal splicing is predicted by in silico tools and affected nucleotide is highly conserved. (SP) 0801 - This variant has very strong previous evidence of pathogenicity in unrelated individuals. This variant has been shown to be compound heterozygous or homozygous in at least ten individuals with Gitelman syndrome, Bartter syndrome or familial hypokalaemia-hypomagnesaemia (ClinVar; PMIDs: 22009145, 23328711). (SP) 1208 - Inheritance information for this variant is not currently available in this individual. (I) Legend: (SP) - Supporting pathogenic, (I) - Information, (SB) - Supporting benign

GeneDx
Classification: Pathogenic. Last evaluated: 2022-11-01. Review status: criteria provided, single submitter. Criteria: GeneDx Variant Classification Process June 2021. Collection method: clinical testing. Allele origin: germline. Affected: yes.
Comment: Identified in multiple other unrelated patients with Gitelman syndrome in published literature (Simon et al., 1996; Abuladze et al., 1998; Hureaux et al., 2019); Canonical splice site variant predicted to result in a null allele in a gene for which loss-of-function is a known mechanism of disease; Published studies demonstrate the variant results in the deletion of exon 24 (Abuladze et al., 1998); This variant is associated with the following publications: (PMID: 31672324, 25525159, 29224928, 31589614, 17654016, 9596079, 8528245)

Baylor Genetics
Classification: Pathogenic for Familial hypokalemia-hypomagnesemia. Last evaluated: 2022-05-02. Review status: criteria provided, single submitter. Criteria: ACMG Guidelines, 2015. Collection method: clinical testing. Allele origin: unknown.

European Hospital Georges Pompidou Genetics Department, Assistance Publique - Hôpitaux de Paris AP-HP
Classification: Pathogenic for Familial hypokalemia-hypomagnesemia. Last evaluated: 2022-04-27. Review status: criteria provided, single submitter. Criteria: ACMG Guidelines, 2015. Collection method: clinical testing. Allele origin: germline. Affected: yes.
Comment: ACMG criteria used:PVS1 PS4 PM1 PM2 PM3

Greenwood Genetic Center Diagnostic Laboratories, Greenwood Genetic Center
Classification: Pathogenic for Familial hypokalemia-hypomagnesemia. Last evaluated: 2022-03-24. Review status: criteria provided, single submitter. Criteria: ACMG Guidelines, 2015. Collection method: clinical testing. Allele origin: germline. Affected: yes.
Comment: PVS1, PS3_Moderate, PM2

MGZ Medical Genetics Center
Classification: Pathogenic for Familial hypokalemia-hypomagnesemia. Last evaluated: 2022-01-18. Review status: criteria provided, single submitter. Criteria: ACMG Guidelines, 2015. Collection method: clinical testing. Allele origin: germline. Affected: yes. Observed: 1 variant allele.
Comment: ACMG criteria applied: PVS1, PS3, PM3, PM2_SUP, PP1

Genome-Nilou Lab
Classification: Pathogenic for Familial hypokalemia-hypomagnesemia. Last evaluated: 2021-07-15. Review status: criteria provided, single submitter. Criteria: ACMG Guidelines, 2015. Collection method: clinical testing. Allele origin: germline. Affected: no.

Sydney Genome Diagnostics, Children's Hospital Westmead
Classification: Pathogenic for Familial hypokalemia-hypomagnesemia; Bartter syndrome. Last evaluated: 2018-05-03. Review status: no assertion criteria provided. Collection method: clinical testing. Allele origin: unknown. Affected: yes. Observed: 1 variant allele, 4 compound heterozygotes, 1 homozygote. Not counted in ClinVar's aggregate classification.
Comment: This variant (dbSNP: rs199974259) is predicted to abolish the consensus splice donor site at c.2883, resulting in the skipping of exon 24. This splice site variant has been previously reported in patients with Gitelman syndrome in the literature (Vargas-Poussou et al 2011 J Am Soc Nephrol 22:693-703). This variant is considered to be pathogenic according to the ACMG guidelines.

Clinical Genetics DNA and cytogenetics Diagnostics Lab, Erasmus MC, Erasmus Medical Center
Classification: Pathogenic. Review status: no assertion criteria provided. Collection method: clinical testing. Allele origin: germline. Affected: yes. Study: VKGL Data-share Consensus. Not counted in ClinVar's aggregate classification.

Genome Diagnostics Laboratory, University Medical Center Utrecht
Classification: Pathogenic. Review status: no assertion criteria provided. Collection method: clinical testing. Allele origin: germline. Affected: yes. Study: VKGL Data-share Consensus. Not counted in ClinVar's aggregate classification.

Joint Genome Diagnostic Labs from Nijmegen and Maastricht, Radboudumc and MUMC+
Classification: Pathogenic. Review status: no assertion criteria provided. Collection method: clinical testing. Allele origin: germline. Affected: yes. Study: VKGL Data-share Consensus. Not counted in ClinVar's aggregate classification.

Literature cited by the submitters: PubMed 31285285 (cited by Natera, Inc.); PubMed 29398133 (cited by Women's Health and Genetics/Laboratory Corporation of America, LabCorp); PubMed 8528245 (cited by Women's Health and Genetics/Laboratory Corporation of America, LabCorp and Athena Diagnostics); PubMed 9596079 (cited by 4 submitters); PubMed 22009145 (cited by 3 submitters); PubMed 23328711 (cited by 3 submitters); PubMed 27007659 (cited by Athena Diagnostics); PubMed 25422309 (cited by Athena Diagnostics); PubMed 33996672 (cited by Athena Diagnostics); PubMed 17654016 (cited by Athena Diagnostics); PubMed 16932456 (cited by Athena Diagnostics); PubMed 21415153 (cited by Athena Diagnostics).